The following is an entry in ClinVar:

NM_007294.4(BRCA1):c.4108T>C (p.Ser1370Pro)

Gene: BRCA1 (BRCA1 DNA repair associated; minus strand). Cytogenetic location: 17q21.31.
Variant type: single nucleotide variant.
Coding change: c.4108T>C on transcript NM_007294.4 (MANE Select); coding-DNA position 4108, T replaced by C.
Protein change: p.Ser1370Pro; replaces serine 1370 with proline.
Molecular consequence: missense variant. On other transcripts: non-coding transcript variant (1).
Genome position (GRCh38, 1-based): chr17:43,091,021, A>G on the plus strand (T>C on the coding strand, the complement: BRCA1 is on the minus strand). VCF-style: chr17-43091021-A-G. GRCh37 (hg19) VCF-style: chr17-41243038-A-G.
Other names: c.586T>C, p.Ser196Pro (NM_001408491.1, NM_001408493.1, NM_001408490.1); c.589T>C, p.Ser197Pro (NM_001408492.1, NM_001408513.1, NM_001408514.1 and 9 more transcripts); c.559T>C, p.Ser187Pro (NM_001408494.1); c.556T>C, p.Ser186Pro (NM_001408495.1); c.535T>C, p.Ser179Pro (NM_001408496.1, NM_001408497.1, NM_001408498.1 and 3 more transcripts); c.466T>C, p.Ser156Pro (NM_001408502.1); c.3967T>C, p.Ser1323Pro (NM_007297.4, NM_001407692.1, NM_001407694.1 and 29 more transcripts); c.799T>C, p.Ser267Pro (NM_007298.4, NM_007299.4, NM_007304.2 and 18 more transcripts); and 41 more; short protein forms S1202P, S1300P, S1367P, S155P, S179P, S196P, S199P, S219P.
Identifiers: ClinVar variation 2125868 (VCV002125868.4), dbSNP rs2154258415, ClinGen allele CA10593509.

ClinVar aggregate classification (germline): Uncertain significance (1 of 4 stars; one submission).

Conditions:
Hereditary breast ovarian cancer syndrome. Also called: Hereditary breast and ovarian cancer syndrome; BRCA1- and BRCA2-Associated Hereditary Breast and Ovarian Cancer; Hereditary breast and ovarian cancer syndrome (HBOC); Hereditary breast and/or ovarian cancer syndrome; Hereditary breast and ovarian cancer; Breast and ovarian cancer. Identifiers: Orphanet 145, MedGen C0677776, MeSH D061325, MONDO:0003582. Disease mechanism: loss of function.

Allele frequency attached by ClinVar (database versions not stated): gnomAD exomes below 0.00001.
gnomAD v4.1: 1 of 1,612,510 alleles (0.000062%); highest among the groups gnomAD compares: Non-Finnish European, 0.000085%; no homozygotes.

Submission:

Labcorp Genetics (formerly Invitae), Labcorp
Classification: Uncertain significance for Hereditary breast ovarian cancer syndrome. Last evaluated: 2022-04-13. Review status: criteria provided, single submitter. Criteria: Invitae Variant Classification Sherloc (09022015). Collection method: clinical testing. Allele origin: germline.
Comment: This sequence change replaces serine, which is neutral and polar, with proline, which is neutral and non-polar, at codon 1370 of the BRCA1 protein (p.Ser1370Pro). This variant is not present in population databases (gnomAD no frequency). This variant has not been reported in the literature in individuals affected with BRCA1-related conditions. Advanced modeling of protein sequence and biophysical properties (such as structural, functional, and spatial information, amino acid conservation, physicochemical variation, residue mobility, and thermodynamic stability) performed at Invitae indicates that this missense variant is not expected to disrupt BRCA1 protein function. In summary, the available evidence is currently insufficient to determine the role of this variant in disease. Therefore, it has been classified as a Variant of Uncertain Significance.